The following is an entry in ClinVar:

NM_004304.5(ALK):c.424G>A (p.Val142Met)

Gene: ALK (ALK receptor tyrosine kinase; minus strand). Cytogenetic location: 2p23.1.
Variant type: single nucleotide variant.
Coding change: c.424G>A on transcript NM_004304.5 (MANE Select); coding-DNA position 424, G replaced by A.
Protein change: p.Val142Met; replaces valine 142 with methionine.
Molecular consequence: missense variant.
Genome position (GRCh38, 1-based): chr2:29,920,236, C>T on the plus strand (G>A on the coding strand, the complement: ALK is on the minus strand). VCF-style: chr2-29920236-C-T. GRCh37 (hg19) VCF-style: chr2-30143102-C-T.
Other names: short protein forms V142M.
Identifiers: ClinVar variation 1717769 (VCV001717769.5), dbSNP rs2465866108, ClinGen allele CA346590073.

ClinVar aggregate classification (germline): Uncertain significance (1 of 4 stars; one submission).

Conditions:
Neuroblastoma, susceptibility to, 3. Also called: ALK-Related Neuroblastic Tumor Susceptibility. Identifiers: Orphanet 635, MedGen C2751681, MONDO:0013083, OMIM 613014.

Submission:

Labcorp Genetics (formerly Invitae), Labcorp
Classification: Uncertain significance for Neuroblastoma, susceptibility to, 3. Last evaluated: 2022-08-22. Review status: criteria provided, single submitter. Criteria: Invitae Variant Classification Sherloc (09022015). Collection method: clinical testing. Allele origin: germline.
Comment: This variant is not present in population databases (gnomAD no frequency). This sequence change replaces valine, which is neutral and non-polar, with methionine, which is neutral and non-polar, at codon 142 of the ALK protein (p.Val142Met). In summary, the available evidence is currently insufficient to determine the role of this variant in disease. Therefore, it has been classified as a Variant of Uncertain Significance. Algorithms developed to predict the effect of missense changes on protein structure and function are either unavailable or do not agree on the potential impact of this missense change (SIFT: "Deleterious"; PolyPhen-2: "Probably Damaging"; Align-GVGD: "Class C0"). This variant has not been reported in the literature in individuals affected with ALK-related conditions.